The following is an entry in ClinVar:

NM_021815.5(SLC5A7):c.952A>G (p.Met318Val)

Gene: SLC5A7 (solute carrier family 5 member 7; plus strand). Cytogenetic location: 2q12.3.
Variant type: single nucleotide variant.
Coding change: c.952A>G on transcript NM_021815.5 (MANE Select); coding-DNA position 952, A replaced by G.
Protein change: p.Met318Val; replaces methionine 318 with valine.
Molecular consequence: missense variant.
Genome position (GRCh38, 1-based): chr2:108,008,521, A>G. VCF-style: chr2-108008521-A-G. GRCh37 (hg19) VCF-style: chr2-108624977-A-G.
Other names: c.952A>G, p.Met318Val (NM_001305005.3); c.637A>G, p.Met213Val (NM_001305006.3); c.211A>G, p.Met71Val (NM_001305007.3); short protein forms M318V, M213V, M71V.
Identifiers: ClinVar variation 840722 (VCV000840722.7), dbSNP rs1678202004, ClinGen allele CA348113504.

ClinVar aggregate classification (germline): Uncertain significance (1 of 4 stars; one submission).

Conditions:
Congenital myasthenic syndrome 20. Also called: Myasthenic syndrome, congenital, 20, presynaptic. Identifiers: MedGen C4310694, MONDO:0014939, OMIM 617143.
Neuronopathy, distal hereditary motor, type 7A. Also called: HARPER-YOUNG MYOPATHY; HMN VIIA; SPINAL MUSCULAR ATROPHY, DISTAL, WITH VOCAL CORD PARALYSIS; NEURONOPATHY, DISTAL HEREDITARY MOTOR, HARDING TYPE VIIA; NEUROPATHY, DISTAL HEREDITARY MOTOR, HARDING TYPE VIIA; Neuronopathy, distal hereditary motor, autosomal dominant 7. Identifiers: Orphanet 139589, MedGen C1834703, MONDO:0008024, OMIM 158580.

Submission:

Labcorp Genetics (formerly Invitae), Labcorp
Classification: Uncertain significance for Neuronopathy, distal hereditary motor, type 7A; Congenital myasthenic syndrome 20. Last evaluated: 2019-01-14. Review status: criteria provided, single submitter. Criteria: Invitae Variant Classification Sherloc (09022015). Collection method: clinical testing. Allele origin: germline.
Comment: In summary, the available evidence is currently insufficient to determine the role of this variant in disease. Therefore, it has been classified as a Variant of Uncertain Significance. Algorithms developed to predict the effect of sequence changes on RNA splicing suggest that this variant may create or strengthen a splice site, but this prediction has not been confirmed by published transcriptional studies. Algorithms developed to predict the effect of missense changes on protein structure and function are either unavailable or do not agree on the potential impact of this missense change (SIFT: "Deleterious"; PolyPhen-2: "Benign"; Align-GVGD: "Class C15"). This variant has not been reported in the literature in individuals with SLC5A7-related conditions. This variant is not present in population databases (ExAC no frequency). This sequence change replaces methionine with valine at codon 318 of the SLC5A7 protein (p.Met318Val). The methionine residue is highly conserved and there is a small physicochemical difference between methionine and valine.